The following is an entry in ClinVar:

NM_138713.4(NFAT5):c.4399T>A (p.Phe1467Ile)

Gene: NFAT5 (nuclear factor of activated T cells 5; plus strand). Cytogenetic location: 16q22.1.
Variant type: single nucleotide variant.
Coding change: c.4399T>A on transcript NM_138713.4 (MANE Select); coding-DNA position 4399, T replaced by A.
Protein change: p.Phe1467Ile; replaces phenylalanine 1467 with isoleucine.
Molecular consequence: missense variant.
Genome position (GRCh38, 1-based): chr16:69,694,224, T>A. VCF-style: chr16-69694224-T-A. GRCh37 (hg19) VCF-style: chr16-69728127-T-A.
Other names: c.4396T>A, p.Phe1466Ile (NM_001113178.3); c.3724T>A, p.Phe1242Ile (NM_001367709.1); c.4345T>A, p.Phe1449Ile (NM_006599.4); c.4117T>A, p.Phe1373Ile (NM_138714.4, NM_173214.3, NM_173215.3); c.4399T>A, p.Phe1467Ile (LRG_1332t1); short protein forms F1466I, F1242I, F1373I, F1449I, F1467I.
Identifiers: ClinVar variation 649102 (VCV000649102.8), dbSNP rs1597576910, ClinGen allele CA396515709.

ClinVar aggregate classification (germline): Uncertain significance (1 of 4 stars; one submission).

Conditions:
Immunodeficiency. Identifiers: MedGen C0021051, MONDO:0021094, HP:0002721.

Submission:

Labcorp Genetics (formerly Invitae), Labcorp
Classification: Uncertain significance for Immunodeficiency. Last evaluated: 2020-01-24. Review status: criteria provided, single submitter. Criteria: Invitae Variant Classification Sherloc (09022015). Collection method: clinical testing. Allele origin: germline.
Comment: In summary, the available evidence is currently insufficient to determine the role of this variant in disease. Therefore, it has been classified as a Variant of Uncertain Significance. Algorithms developed to predict the effect of missense changes on protein structure and function are either unavailable or do not agree on the potential impact of this missense change (SIFT: "Deleterious"; PolyPhen-2: "Probably Damaging"; Align-GVGD: "Class C0"). This variant has not been reported in the literature in individuals with NFAT5-related disease. This variant is not present in population databases (ExAC no frequency). This sequence change replaces phenylalanine with isoleucine at codon 1373 of the NFAT5 protein (p.Phe1373Ile). The phenylalanine residue is highly conserved and there is a small physicochemical difference between phenylalanine and isoleucine.